The following is an entry in ClinVar:

ClinVar aggregate classification (germline): Uncertain significance (1 of 4 stars; one submission).

Submission:

GeneDx
Classification: Uncertain significance. Last evaluated: 2022-05-25. Review status: criteria provided, single submitter. Criteria: GeneDx Variant Classification Process June 2021. Collection method: clinical testing. Allele origin: germline. Affected: yes.
Comment: Not observed at significant frequency in large population cohorts (gnomAD); In silico analysis supports that this missense variant does not alter protein structure/function; Has not been previously published as pathogenic or benign to our knowledge

NM_001001331.4(ATP2B2):c.2797A>T (p.Thr933Ser)

Gene: ATP2B2 (ATPase plasma membrane Ca2+ transporting 2; minus strand). Cytogenetic location: 3p25.3.
Variant type: single nucleotide variant.
Coding change: c.2797A>T on transcript NM_001001331.4 (MANE Select); coding-DNA position 2797, A replaced by T.
Protein change: p.Thr933Ser; replaces threonine 933 with serine.
Molecular consequence: missense variant.
Genome position (GRCh38, 1-based): chr3:10,342,872, T>A on the plus strand (A>T on the coding strand, the complement: ATP2B2 is on the minus strand). VCF-style: chr3-10342872-T-A. GRCh37 (hg19) VCF-style: chr3-10384556-T-A.
Other names: c.2662A>T, p.Thr888Ser (NM_001330611.3, NM_001353564.1, NM_001363862.1 and 1 more transcripts); short protein forms T888S, T933S.
Identifiers: ClinVar variation 1800999 (VCV001800999.1), dbSNP rs2470147341, ClinGen allele CA351777412.
Genomic context (GRCh38, chr3:10,342,872, plus strand): 5'-TCATCATGGTCCTGGAGATGAGCGGCTTGTTGCGGCCGTACGGCTTCCTCAGCAGCAGGG[T>A]CTCCGTGGGCGGCTCAGTGGCCAGTGCCAGCGAGGCAAACGTGTCCATGATGAGGTTCAC-3'
Protein context (NP_001001331.1, residues 923-943): LALATEPPTE[Thr933Ser]LLLRKPYGRN